The following is an entry in ClinVar:

ClinVar aggregate classification (germline): Uncertain significance (1 of 4 stars; one submission).

Allele frequency attached by ClinVar (database versions not stated): TOPMed 0.00001.

Submission:

GeneDx
Classification: Uncertain significance. Last evaluated: 2022-10-18. Review status: criteria provided, single submitter. Criteria: GeneDx Variant Classification Process June 2021. Collection method: clinical testing. Allele origin: germline. Affected: yes.
Comment: Not observed at significant frequency in large population cohorts (gnomAD); In silico analysis supports that this missense variant has a deleterious effect on protein structure/function; Has not been previously published as pathogenic or benign to our knowledge

NM_001110219.3(GJB6):c.585G>A (p.Met195Ile)

Gene: GJB6 (gap junction protein beta 6; minus strand). Cytogenetic location: 13q12.11.
Variant type: single nucleotide variant.
Coding change: c.585G>A on transcript NM_001110219.3 (MANE Select); coding-DNA position 585, G replaced by A.
Protein change: p.Met195Ile; replaces methionine 195 with isoleucine.
Molecular consequence: missense variant.
Genome position (GRCh38, 1-based): chr13:20,222,896, C>T on the plus strand (G>A on the coding strand, the complement: GJB6 is on the minus strand). VCF-style: chr13-20222896-C-T. GRCh37 (hg19) VCF-style: chr13-20797035-C-T.
Other names: c.585G>A, p.Met195Ile (NM_001110220.3, NM_001110221.3, NM_001370090.1 and 3 more transcripts); short protein forms M195I.
Identifiers: ClinVar variation 2499772 (VCV002499772.1), dbSNP rs767980664, ClinGen allele CA387467722.